The following is an entry in ClinVar:

NM_018417.6(ADCY10):c.184A>G (p.Met62Val)

Genes: ADCY10 (adenylate cyclase 10; minus strand), DCAF6 (DDB1 and CUL4 associated factor 6; plus strand). Cytogenetic location: 1q24.2.
Variant type: single nucleotide variant.
Coding change: c.184A>G on transcript NM_018417.6 (MANE Select); coding-DNA position 184, A replaced by G.
Protein change: p.Met62Val; replaces methionine 62 with valine.
Molecular consequence: missense variant. On other transcripts: 5 prime UTR variant (1), intron variant (1).
Genome position (GRCh38, 1-based): chr1:167,903,956, T>C on the plus strand (A>G on the coding strand, the complement: ADCY10 is on the minus strand). VCF-style: chr1-167903956-T-C. GRCh37 (hg19) VCF-style: chr1-167873194-T-C.
Other names: c.-130A>G (NM_001297772.2); c.-62-1902A>G (NM_001167749.3); short protein forms M62V.
Identifiers: ClinVar variation 3632776 (VCV003632776.2).

ClinVar aggregate classification (germline): Uncertain significance (1 of 4 stars; one submission).

Submission:

Labcorp Genetics (formerly Invitae), Labcorp
Classification: Uncertain significance. Last evaluated: 2024-07-01. Review status: criteria provided, single submitter. Criteria: Invitae Variant Classification Sherloc (09022015). Collection method: clinical testing. Allele origin: germline.
Comment: This sequence change replaces methionine, which is neutral and non-polar, with valine, which is neutral and non-polar, at codon 62 of the ADCY10 protein (p.Met62Val). This variant is not present in population databases (gnomAD no frequency). This variant has not been reported in the literature in individuals affected with ADCY10-related conditions. An algorithm developed to predict the effect of missense changes on protein structure and function (PolyPhen-2) suggests that this variant is likely to be disruptive. In summary, the available evidence is currently insufficient to determine the role of this variant in disease. Therefore, it has been classified as a Variant of Uncertain Significance.